The following is an entry in ClinVar:

ClinVar aggregate classification (germline): Uncertain significance. Review status: criteria provided, multiple submitters, no conflicts (2 of 4 stars). 4 submissions from 3 submitters: Uncertain significance (4). Last evaluated 2025-10-08.

Conditions:
Congenital myasthenic syndrome (CMS). Also called: Congenital Myasthenic Syndromes. Identifiers: Orphanet 590, MedGen C0751882, MeSH D020294, MONDO:0018940.
Lethal multiple pterygium syndrome (LMPS). Identifiers: Orphanet 33108, MedGen C1854678, MONDO:0009668, OMIM 253290.

Allele frequency attached by ClinVar (database versions not stated): gnomAD 0.00019 and 0.00020; TOPMed 0.00028.
gnomAD v4.1: 71 of 1,608,632 alleles (0.0044%); highest among the groups gnomAD compares: African/African-American, 0.079%; no homozygotes.

Submissions (4):

Labcorp Genetics (formerly Invitae), Labcorp
Classification: Uncertain significance for Lethal multiple pterygium syndrome. Last evaluated: 2025-10-08. Review status: criteria provided, single submitter. Criteria: Invitae Variant Classification Sherloc (09022015). Collection method: clinical testing. Allele origin: germline.
Comment: This sequence change replaces valine, which is neutral and non-polar, with leucine, which is neutral and non-polar, at codon 269 of the CHRNA1 protein (p.Val269Leu). This variant is present in population databases (no rsID available, gnomAD 0.04%). This variant has not been reported in the literature in individuals affected with CHRNA1-related conditions. ClinVar contains an entry for this variant (Variation ID: 892724). Invitae Evidence Modeling of protein sequence and biophysical properties (such as structural, functional, and spatial information, amino acid conservation, physicochemical variation, residue mobility, and thermodynamic stability) indicates that this missense variant is not expected to disrupt CHRNA1 protein function with a negative predictive value of 80%. This variant disrupts the p.Val269 (also known as p.Val249) amino acid residue in CHRNA1. Other variant(s) that disrupt this residue have been observed in individuals with CHRNA1-related conditions (PMID: 9221765, 33216040), which suggests that this may be a clinically significant amino acid residue. In summary, the available evidence is currently insufficient to determine the role of this variant in disease. Therefore, it has been classified as a Variant of Uncertain Significance.

Revvity Omics, Revvity
Classification: Uncertain significance. Last evaluated: 2024-03-06. Review status: criteria provided, single submitter. Criteria: ACMG Guidelines, 2015. Collection method: clinical testing. Allele origin: germline.

Illumina Laboratory Services, Illumina
Classification: Uncertain significance for Congenital myasthenic syndrome. Last evaluated: 2017-04-28. Review status: criteria provided, single submitter. Criteria: ICSL Variant Classification Criteria 13 December 2019. Collection method: clinical testing. Allele origin: germline.

Illumina Laboratory Services, Illumina
Classification: Uncertain significance for Lethal multiple pterygium syndrome. Last evaluated: 2017-04-28. Review status: criteria provided, single submitter. Criteria: ICSL Variant Classification Criteria 13 December 2019. Collection method: clinical testing. Allele origin: germline.

Literature cited by the submitters: PubMed 9221765 (cited by Labcorp Genetics (formerly Invitae), Labcorp); PubMed 33216040 (cited by Labcorp Genetics (formerly Invitae), Labcorp).

NM_000079.4(CHRNA1):c.805G>C (p.Val269Leu)

Gene: CHRNA1 (cholinergic receptor nicotinic alpha 1 subunit; minus strand). Cytogenetic location: 2q31.1.
Variant type: single nucleotide variant.
Coding change: c.805G>C on transcript NM_000079.4 (MANE Select); coding-DNA position 805, G replaced by C.
Protein change: p.Val269Leu; replaces valine 269 with leucine.
Molecular consequence: missense variant.
Genome position (GRCh38, 1-based): chr2:174,750,143, C>G on the plus strand (G>C on the coding strand, the complement: CHRNA1 is on the minus strand). VCF-style: chr2-174750143-C-G. GRCh37 (hg19) VCF-style: chr2-175614871-C-G.
Other names: c.880G>C, p.Val294Leu (NM_001039523.3); short protein forms V269L, V294L.
Identifiers: ClinVar variation 892724 (VCV000892724.10), dbSNP rs137852803, ClinGen allele CA1974440.